The following is an entry in ClinVar:

NM_002838.5(PTPRC):c.274A>G (p.Asn92Asp)

Gene: PTPRC (protein tyrosine phosphatase receptor type C; plus strand). Cytogenetic location: 1q31.3.
Variant type: single nucleotide variant.
Coding change: c.274A>G on transcript NM_002838.5 (MANE Select); coding-DNA position 274, A replaced by G.
Protein change: p.Asn92Asp; replaces asparagine 92 with aspartic acid.
Molecular consequence: missense variant. On other transcripts: intron variant (1).
Genome position (GRCh38, 1-based): chr1:198,696,885, A>G. VCF-style: chr1-198696885-A-G. GRCh37 (hg19) VCF-style: chr1-198666014-A-G.
Other names: c.100+4512A>G (NM_080921.4); c.268A>G (NM_002838.3); short protein forms N92D.
Identifiers: ClinVar variation 1382121 (VCV001382121.6), dbSNP rs61757804, ClinGen allele CA1314445.

ClinVar aggregate classification (germline): Uncertain significance. Review status: criteria provided, multiple submitters, no conflicts (2 of 4 stars). 2 submissions from 2 submitters: Uncertain significance (2). Last evaluated 2022-04-04.

Conditions:
Inborn genetic diseases. Identifiers: MedGen C0950123, MeSH D030342.
Immunodeficiency 104. Also called: SCID, AUTOSOMAL RECESSIVE, T CELL-NEGATIVE, B CELL-POSITIVE, NK CELL-POSITIVE; Severe Combined Immune Deficiency, Autosomal Recessive, TCell -Negative, B Cell-Positive, NK Cell-Positive, IL7R-Related; IMMUNODEFICIENCY 104, SEVERE COMBINED; Severe combined immunodeficiency, autosomal recessive, T cell-negative, B cell-positive, NK cell-positive. Identifiers: MedGen C5676890, MONDO:0012163, OMIM 608971.

Allele frequency attached by ClinVar (database versions not stated): ExAC 0.00002; gnomAD 0.00002 and 0.00003; TOPMed 0.00003; gnomAD exomes 0.00004.
gnomAD v4.1: 63 of 1,613,874 alleles (0.0039%); highest among the groups gnomAD compares: Non-Finnish European, 0.0052%; no homozygotes.

Submissions (2):

Labcorp Genetics (formerly Invitae), Labcorp
Classification: Uncertain significance for Immunodeficiency 104. Last evaluated: 2022-04-04. Review status: criteria provided, single submitter. Criteria: Invitae Variant Classification Sherloc (09022015). Collection method: clinical testing. Allele origin: germline.
Comment: This sequence change replaces asparagine, which is neutral and polar, with aspartic acid, which is acidic and polar, at codon 92 of the PTPRC protein (p.Asn92Asp). This variant is present in population databases (rs61757804, gnomAD 0.007%). This variant has not been reported in the literature in individuals affected with PTPRC-related conditions. Algorithms developed to predict the effect of missense changes on protein structure and function output the following: SIFT: "Deleterious"; PolyPhen-2: "Benign"; Align-GVGD: "Class C0". The aspartic acid amino acid residue is found in multiple mammalian species, which suggests that this missense change does not adversely affect protein function. Algorithms developed to predict the effect of sequence changes on RNA splicing suggest that this variant may create or strengthen a splice site. In summary, the available evidence is currently insufficient to determine the role of this variant in disease. Therefore, it has been classified as a Variant of Uncertain Significance.

Ambry Genetics
Classification: Uncertain significance for Inborn genetic diseases. Last evaluated: 2021-07-06. Review status: criteria provided, single submitter. Criteria: Ambry Variant Classification Scheme 2023. Collection method: clinical testing. Allele origin: germline.